The following is an entry in ClinVar:

ClinVar aggregate classification (germline): Pathogenic. Review status: reviewed by expert panel (3 of 4 stars). 3 submissions from 3 submitters: Pathogenic (1). 2 of the submissions do not count toward it. Last evaluated 2016-09-08.

Conditions:
Breast-ovarian cancer, familial, susceptibility to, 1 (BROVCA1). Also called: BRCA1 Hereditary Breast and Ovarian Cancer; OVARIAN CANCER, SUSCEPTIBILITY TO. Identifiers: Orphanet 145, MedGen C2676676, MONDO:0011450, OMIM 604370. Disease mechanism: loss of function.

Submissions (3):

Evidence-based Network for the Interpretation of Germline Mutant Alleles (ENIGMA)
Classification: Pathogenic for Breast-ovarian cancer, familial, susceptibility to, 1. Last evaluated: 2016-09-08. Review status: reviewed by expert panel. Criteria: ENIGMA BRCA1/2 Classification Criteria (2015). Collection method: curation. Allele origin: germline.
Comment: Variant allele predicted to encode a truncated non-functional protein.

Consortium of Investigators of Modifiers of BRCA1/2 (CIMBA), c/o University of Cambridge
Classification: Pathogenic for Breast-ovarian cancer, familial, susceptibility to, 1. Last evaluated: 2015-10-02. Review status: criteria provided, single submitter. Criteria: CIMBA Mutation Classification guidelines May 2016. Collection method: clinical testing. Allele origin: germline. Not counted in ClinVar's aggregate classification.

Breast Cancer Information Core (BIC) (BRCA1)
Classification: Pathogenic for Breast-ovarian cancer, familial 1. Review status: no assertion criteria provided. Collection method: clinical testing. Allele origin: germline. Affected: yes. Observed: 1 variant allele. Not counted in ClinVar's aggregate classification.

NM_007294.4(BRCA1):c.1101_1102insC (p.Glu368fs)

Gene: BRCA1 (BRCA1 DNA repair associated; minus strand). Cytogenetic location: 17q21.31.
Variant type: Insertion.
Coding change: c.1101_1102insC on transcript NM_007294.4 (MANE Select); coding-DNA positions 1101 to 1102, C inserted.
Protein change: p.Glu368fs; shifts the reading frame from glutamic acid 368.
Molecular consequence: frameshift variant. On other transcripts: intron variant (137).
Genome position: GRCh38 VCF-style: chr17-43094429-C-CG. GRCh37 (hg19) VCF-style: chr17-41246446-C-CG.
Other names: 1220insC; c.643+314_643+315insC (NM_001408470.1, NM_001408464.1, NM_001408468.1 and 3 more transcripts); c.646+314_646+315insC (NM_001408469.1, NM_001408453.1, NM_001408461.1 and 11 more transcripts); c.784+314_784+315insC (NM_001408397.1, NM_001408401.1, NM_001408396.1 and 13 more transcripts); c.664+314_664+315insC (NM_001408436.1, NM_001408444.1, NM_001408438.1 and 12 more transcripts); c.787+314_787+315insC (NM_001407980.1, NM_001407993.1, NM_001407976.1 and 19 more transcripts); c.652+314_652+315insC (NM_001408451.1); c.523+314_523+315insC (NM_001408498.1, NM_001408501.1, NM_001408500.1 and 3 more transcripts); and 41 more; short protein forms E321fs, E368fs, E367fs, E72fs, E240fs, E241fs, E256fs, E297fs.
Identifiers: ClinVar variation 125486 (VCV000125486.4), dbSNP rs80357665, ClinGen allele CA000735.